The following is an entry in ClinVar:

NM_014844.5(TECPR2):c.1647C>T (p.Val549=)

Gene: TECPR2 (tectonin beta-propeller repeat containing 2; plus strand). Cytogenetic location: 14q32.31.
Variant type: single nucleotide variant.
Coding change: c.1647C>T on transcript NM_014844.5 (MANE Select); coding-DNA position 1647, C replaced by T.
Protein change: p.Val549=; no amino-acid change (valine 549 retained).
Molecular consequence: synonymous variant.
Genome position (GRCh38, 1-based): chr14:102,434,464, C>T. VCF-style: chr14-102434464-C-T. GRCh37 (hg19) VCF-style: chr14-102900801-C-T.
Other names: c.1647C>T, p.Val549= (NM_001172631.3).
Identifiers: ClinVar variation 3905093 (VCV003905093.10).

ClinVar aggregate classification (germline): Likely benign (1 of 4 stars; one submission).

Submission:

CeGaT Center for Human Genetics Tuebingen
Classification: Likely benign. Last evaluated: 2025-05-01. Review status: criteria provided, single submitter. Criteria: CeGaT Center For Human Genetics Tuebingen Variant Classification Criteria Version 2. Collection method: clinical testing. Allele origin: germline. Affected: yes. Observed: 1 variant allele.
Comment: TECPR2: PM2:Supporting, BP4, BP7